The following is an entry in ClinVar:

NM_000548.5(TSC2):c.4249C>G (p.Arg1417Gly)

Gene: TSC2 (TSC complex subunit 2; plus strand). Cytogenetic location: 16p13.3.
Variant type: single nucleotide variant.
Coding change: c.4249C>G on transcript NM_000548.5 (MANE Select); coding-DNA position 4249, C replaced by G.
Protein change: p.Arg1417Gly; replaces arginine 1417 with glycine.
Molecular consequence: missense variant.
Genome position (GRCh38, 1-based): chr16:2,084,471, C>G. VCF-style: chr16-2084471-C-G. GRCh37 (hg19) VCF-style: chr16-2134472-C-G.
Other names: c.4051C>G, p.Arg1351Gly (NM_001363528.2); c.4117C>G, p.Arg1373Gly (NM_001370404.1); c.4120C>G, p.Arg1374Gly (NM_001370405.1, NM_021055.3); c.4048C>G, p.Arg1350Gly (NM_001077183.3); c.4180C>G, p.Arg1394Gly (NM_001114382.3); c.3940C>G, p.Arg1314Gly (NM_001318827.2); c.3904C>G, p.Arg1302Gly (NM_001318829.2); c.3517C>G, p.Arg1173Gly (NM_001318831.2); and 1 more; short protein forms R1173G, R1302G, R1314G, R1350G, R1351G, R1394G, R1361G, R1417G.
Identifiers: ClinVar variation 1475954 (VCV001475954.10), dbSNP rs774338461, ClinGen allele CA394300432.

ClinVar aggregate classification (germline): Conflicting classifications of pathogenicity. Review status: criteria provided, conflicting classifications (1 of 4 stars). 2 submissions from 2 submitters: Uncertain significance (1); Benign (1). Last evaluated 2023-07-07.

Conditions:
Tuberous sclerosis 2 (TSC2). Identifiers: Orphanet 805, MedGen C1860707, MONDO:0013199, OMIM 613254.
Hereditary cancer-predisposing syndrome. Also called: Hereditary neoplastic syndrome; Tumor predisposition; Neoplastic Syndromes, Hereditary; Hereditary Cancer Syndrome. Identifiers: Orphanet 140162, MedGen C0027672, MeSH D009386, MONDO:0015356.

gnomAD v4.1: 3 of 1,609,020 alleles (0.00019%); highest among the groups gnomAD compares: Non-Finnish European, 0.00025%; no homozygotes.

Submissions (2):

Labcorp Genetics (formerly Invitae), Labcorp
Classification: Benign for Tuberous sclerosis 2. Last evaluated: 2023-07-07. Review status: criteria provided, single submitter. Criteria: Invitae Variant Classification Sherloc (09022015). Collection method: clinical testing. Allele origin: germline.

Ambry Genetics
Classification: Uncertain significance for Hereditary cancer-predisposing syndrome. Last evaluated: 2022-08-02. Review status: criteria provided, single submitter. Criteria: Ambry Variant Classification Scheme 2023. Collection method: clinical testing. Allele origin: germline.
Comment: The p.R1417G variant (also known as c.4249C>G), located in coding exon 33 of the TSC2 gene, results from a C to G substitution at nucleotide position 4249. The arginine at codon 1417 is replaced by glycine, an amino acid with dissimilar properties. This amino acid position is conserved. In addition, the in silico prediction for this alteration is inconclusive. Since supporting evidence is limited at this time, the clinical significance of this alteration remains unclear.